The following is an entry in ClinVar:

ClinVar aggregate classification (germline): Pathogenic (1 of 4 stars; one submission).

gnomAD v4.1: 1 of 1,587,200 alleles (0.000063%); highest among the groups gnomAD compares: Non-Finnish European, 0.000086%; no homozygotes.

Submission:

Labcorp Genetics (formerly Invitae), Labcorp
Classification: Pathogenic. Last evaluated: 2026-01-16. Review status: criteria provided, single submitter. Criteria: Invitae Variant Classification Sherloc (09022015). Collection method: clinical testing. Allele origin: germline.
Comment: This sequence change affects a donor splice site in intron 8 of the RLBP1 gene. While this variant is not anticipated to result in nonsense mediated decay, it likely alters RNA splicing and results in a disrupted protein product. This variant is not present in population databases (gnomAD no frequency). This variant has not been reported in the literature in individuals affected with RLBP1-related conditions. Variants that disrupt the consensus splice site are a relatively common cause of aberrant splicing (PMID: 17576681, 9536098). Algorithms developed to predict the effect of sequence changes on RNA splicing suggest that this variant may disrupt the consensus splice site. This variant disrupts a region of the RLBP1 protein in which other variant(s) (p.Gln278*) have been determined to be pathogenic (PMID: 33851411). This suggests that this is a clinically significant region of the protein, and that variants that disrupt it are likely to be disease-causing. For these reasons, this variant has been classified as Pathogenic.

Literature cited by the submitters: PubMed 17576681; PubMed 9536098; PubMed 33851411.

NM_000326.5(RLBP1):c.795+1G>A

Gene: RLBP1 (retinaldehyde binding protein 1; minus strand). Cytogenetic location: 15q26.1.
Variant type: single nucleotide variant.
Coding change: c.795+1G>A on transcript NM_000326.5 (MANE Select); the canonical splice donor site of the intron after coding-DNA position 795, G replaced by A.
Molecular consequence: splice donor variant.
Genome position (GRCh38, 1-based): chr15:89,210,698, C>T on the plus strand (G>A on the coding strand, the complement: RLBP1 is on the minus strand). VCF-style: chr15-89210698-C-T. GRCh37 (hg19) VCF-style: chr15-89753929-C-T.
Identifiers: ClinVar variation 4727667 (VCV004727667.1).